The following is an entry in ClinVar:

ClinVar aggregate classification (germline): Uncertain significance (1 of 4 stars; one submission).

Submission:

Labcorp Genetics (formerly Invitae), Labcorp
Classification: Uncertain significance. Last evaluated: 2023-08-27. Review status: criteria provided, single submitter. Criteria: Invitae Variant Classification Sherloc (09022015). Collection method: clinical testing. Allele origin: germline.
Comment: In summary, the available evidence is currently insufficient to determine the role of this variant in disease. Therefore, it has been classified as a Variant of Uncertain Significance. Advanced modeling of protein sequence and biophysical properties (such as structural, functional, and spatial information, amino acid conservation, physicochemical variation, residue mobility, and thermodynamic stability) performed at Invitae indicates that this missense variant is expected to disrupt ABCA4 protein function. This variant has not been reported in the literature in individuals affected with ABCA4-related conditions. This variant is not present in population databases (gnomAD no frequency). This sequence change replaces asparagine, which is neutral and polar, with lysine, which is basic and polar, at codon 1974 of the ABCA4 protein (p.Asn1974Lys).

NM_000350.3(ABCA4):c.5922T>A (p.Asn1974Lys)

Gene: ABCA4 (ATP binding cassette subfamily A member 4; minus strand). Cytogenetic location: 1p22.1.
Variant type: single nucleotide variant.
Coding change: c.5922T>A on transcript NM_000350.3 (MANE Select); coding-DNA position 5922, T replaced by A.
Protein change: p.Asn1974Lys; replaces asparagine 1974 with lysine.
Molecular consequence: missense variant.
Genome position (GRCh38, 1-based): chr1:94,007,717, A>T on the plus strand (T>A on the coding strand, the complement: ABCA4 is on the minus strand). VCF-style: chr1-94007717-A-T. GRCh37 (hg19) VCF-style: chr1-94473273-A-T.
Other names: c.5700T>A, p.Asn1900Lys (NM_001425324.1); short protein forms N1900K, N1974K.
Identifiers: ClinVar variation 2753579 (VCV002753579.3), dbSNP rs202088666, ClinGen allele CA341279664.